The following is an entry in ClinVar:

ClinVar aggregate classification (germline): Benign. Review status: criteria provided, multiple submitters, no conflicts (2 of 4 stars). 2 submissions from 2 submitters: Benign (2). Last evaluated 2018-01-13.

Conditions:
Glucocorticoid deficiency 1 (GCCD1). Also called: FAMILIAL GLUCOCORTICOID DEFICIENCY 1; Adrenal unresponsiveness to acth; Glucocorticoid deficiency, due to ACTH unresponsiveness. Identifiers: Orphanet 361, MedGen C4049650, MONDO:0024536, OMIM 202200.

Allele frequency attached by ClinVar (database versions not stated): gnomAD 0.03202 and 0.03103; TOPMed 0.03861; 1000 Genomes Project 30x 0.06184; 1000 Genomes Project 0.06270.

Submissions (2):

Illumina Laboratory Services, Illumina
Classification: Benign for Glucocorticoid deficiency 1. Last evaluated: 2018-01-13. Review status: criteria provided, single submitter. Criteria: ICSL Variant Classification Criteria 13 December 2019. Collection method: clinical testing. Allele origin: germline.
Comment: This variant was observed in the ICSL laboratory as part of a predisposition screen in an ostensibly healthy population. It had not been previously curated by ICSL or reported in the Human Gene Mutation Database (HGMD: prior to June 1st, 2018), and was therefore a candidate for classification through an automated scoring system. Utilizing variant allele frequency, disease prevalence and penetrance estimates, and inheritance mode, an automated score was calculated to assess if this variant is too frequent to cause the disease. Based on the score and internal cut-off values, a variant classified as benign is not then subjected to further curation. The score for this variant resulted in a classification of benign for this disease.

Breakthrough Genomics
Classification: Benign. Review status: criteria provided, single submitter. Criteria: ACMG Guidelines, 2015. Collection method: not provided. Allele origin: germline. Inheritance: Autosomal recessive inheritance. Affected: yes.

NM_000529.2(MC2R):c.*880C>T

Gene: MC2R (melanocortin 2 receptor; minus strand). Cytogenetic location: 18p11.21.
Variant type: single nucleotide variant.
Coding change: c.*880C>T on transcript NM_000529.2 (MANE Select); 880 bases downstream of the stop codon, C replaced by T.
Molecular consequence: 3 prime UTR variant.
Genome position (GRCh38, 1-based): chr18:13,883,745, G>A on the plus strand (C>T on the coding strand, the complement: MC2R is on the minus strand). VCF-style: chr18-13883745-G-A. GRCh37 (hg19) VCF-style: chr18-13883744-G-A.
Other names: c.*880C>T (NM_001291911.1).
Identifiers: ClinVar variation 326170 (VCV000326170.6), dbSNP rs28926184, ClinGen allele CA10641114.